The following is an entry in ClinVar:

ClinVar aggregate classification (germline): Uncertain significance (1 of 4 stars; one submission).

Submission:

Labcorp Genetics (formerly Invitae), Labcorp
Classification: Uncertain significance. Last evaluated: 2025-04-18. Review status: criteria provided, single submitter. Criteria: Invitae Variant Classification Sherloc (09022015). Collection method: clinical testing. Allele origin: germline.
Comment: This sequence change replaces proline, which is neutral and non-polar, with leucine, which is neutral and non-polar, at codon 32 of the HMGA2 protein (p.Pro32Leu). This variant is not present in population databases (gnomAD no frequency). This variant has not been reported in the literature in individuals affected with HMGA2-related conditions. An algorithm developed to predict the effect of missense changes on protein structure and function (PolyPhen-2) suggests that this variant is likely to be disruptive. In summary, the available evidence is currently insufficient to determine the role of this variant in disease. Therefore, it has been classified as a Variant of Uncertain Significance.

NM_003483.6(HMGA2):c.95C>T (p.Pro32Leu)

Gene: HMGA2 (high mobility group AT-hook 2; plus strand). Cytogenetic location: 12q14.3.
Variant type: single nucleotide variant.
Coding change: c.95C>T on transcript NM_003483.6 (MANE Select); coding-DNA position 95, C replaced by T.
Protein change: p.Pro32Leu; replaces proline 32 with leucine.
Molecular consequence: missense variant.
Genome position (GRCh38, 1-based): chr12:65,825,365, C>T. VCF-style: chr12-65825365-C-T. GRCh37 (hg19) VCF-style: chr12-66219145-C-T.
Other names: c.95C>T, p.Pro32Leu (NM_001300918.1, NM_001300919.1, NM_001330190.1 and 1 more transcripts); short protein forms P32L.
Identifiers: ClinVar variation 4717889 (VCV004717889.1).
Genomic context (GRCh38, chr12:65,825,365, plus strand): 5'-CCACTTCAGCCCAGGGACAACCTGCCGCCCCAGCGCCTCAGAAGAGAGGACGCGGCCGCC[C>T]CAGGAAGCAGCAGCAAGTCAGTACGAGGGCGCGGTGGGGGCACCAGCCCACCCCGTCCCC-3'
Protein context (NP_003474.1, residues 22-42): PAPQKRGRGR[Pro32Leu]RKQQQEPTGE